The following is an entry in ClinVar:

ClinVar aggregate classification (germline): Uncertain significance. Review status: criteria provided, multiple submitters, no conflicts (2 of 4 stars). 2 submissions from 2 submitters: Uncertain significance (2). Last evaluated 2025-11-02.

gnomAD v4.1: 27 of 1,613,634 alleles (0.0017%); highest among the groups gnomAD compares: Admixed American, 0.045%; no homozygotes.

Submissions (2):

Labcorp Genetics (formerly Invitae), Labcorp
Classification: Uncertain significance. Last evaluated: 2025-11-02. Review status: criteria provided, single submitter. Criteria: Invitae Variant Classification Sherloc (09022015). Collection method: clinical testing. Allele origin: germline.
Comment: This sequence change replaces serine, which is neutral and polar, with arginine, which is basic and polar, at codon 697 of the SULF1 protein (p.Ser697Arg). This variant is present in population databases (rs770518313, gnomAD 0.06%), and has an allele count higher than expected for a pathogenic variant. This variant has not been reported in the literature in individuals affected with SULF1-related conditions. ClinVar contains an entry for this variant (Variation ID: 3451196). An algorithm developed to predict the effect of missense changes on protein structure and function (PolyPhen-2) suggests that this variant is likely to be tolerated. In summary, the available evidence is currently insufficient to determine the role of this variant in disease. Therefore, it has been classified as a Variant of Uncertain Significance.

Ambry Genetics
Classification: Uncertain significance. Last evaluated: 2024-10-19. Review status: criteria provided, single submitter. Criteria: Ambry Variant Classification Scheme 2023. Collection method: clinical testing. Allele origin: germline.

NM_001128205.2(SULF1):c.2091C>G (p.Ser697Arg)

Gene: SULF1 (sulfatase 1; plus strand). Cytogenetic location: 8q13.3.
Variant type: single nucleotide variant.
Coding change: c.2091C>G on transcript NM_001128205.2 (MANE Select); coding-DNA position 2091, C replaced by G.
Protein change: p.Ser697Arg; replaces serine 697 with arginine.
Molecular consequence: missense variant. On other transcripts: non-coding transcript variant (7).
Genome position (GRCh38, 1-based): chr8:69,628,219, C>G. VCF-style: chr8-69628219-C-G. GRCh37 (hg19) VCF-style: chr8-70540454-C-G.
Other names: c.1962C>G, p.Ser654Arg (NM_001412839.1, NM_001412840.1, NM_001412832.1 and 1 more transcripts); c.1905C>G, p.Ser635Arg (NM_001412841.1, NM_001412842.1); c.1491C>G, p.Ser497Arg (NM_001412844.1, NM_001412845.1); c.300C>G, p.Ser100Arg (NM_001412846.1); c.2091C>G, p.Ser697Arg (NM_001412850.1, NM_001412851.1, NM_015170.3 and 9 more transcripts); c.2034C>G, p.Ser678Arg (NM_001412836.1, NM_001412837.1); short protein forms S497R, S697R, S678R, S654R, S100R, S635R.
Identifiers: ClinVar variation 3451196 (VCV003451196.3).